The following is an entry in ClinVar:

ClinVar aggregate classification (germline): Uncertain significance. Review status: criteria provided, single submitter (1 of 4 stars). 2 submissions from 2 submitters: Uncertain significance (1). 1 of the submissions does not count toward it. Last evaluated 2023-02-23.

Conditions:
WDFY4-related disorder. Also called: WDFY4-related condition.

Allele frequency attached by ClinVar (database versions not stated): gnomAD 0.00009; TOPMed 0.00009; ESP Exome Variant Server 0.00022; ExAC 0.00044.

Submissions (2):

Ambry Genetics
Classification: Uncertain significance. Last evaluated: 2023-02-23. Review status: criteria provided, single submitter. Criteria: Ambry Variant Classification Scheme 2023. Collection method: clinical testing. Allele origin: germline.

PreventionGenetics, part of Exact Sciences
Classification: Likely benign for WDFY4-related condition. Last evaluated: 2022-02-26. Review status: no assertion criteria provided. Collection method: clinical testing. Allele origin: germline. Not counted in ClinVar's aggregate classification.
Comment: This variant is classified as likely benign based on ACMG/AMP sequence variant interpretation guidelines (Richards et al. 2015 PMID: 25741868, with internal and published modifications).

NM_001394531.1(WDFY4):c.3638A>G (p.Asp1213Gly)

Gene: WDFY4 (WDFY family member 4; plus strand). Cytogenetic location: 10q11.23.
Variant type: single nucleotide variant.
Coding change: c.3638A>G on transcript NM_001394531.1 (MANE Select); coding-DNA position 3638, A replaced by G.
Protein change: p.Asp1213Gly; replaces aspartic acid 1213 with glycine.
Molecular consequence: missense variant.
Genome position (GRCh38, 1-based): chr10:48,786,700, A>G. VCF-style: chr10-48786700-A-G. GRCh37 (hg19) VCF-style: chr10-49994745-A-G.
Other names: c.3638A>G, p.Asp1213Gly (NM_001370153.1, NM_020945.2); short protein forms D1213G.
Identifiers: ClinVar variation 2459481 (VCV002459481.4), dbSNP rs368218858, ClinGen allele CA5492150.
Genomic context (GRCh38, chr10:48,786,700, plus strand): 5'-TGTTATACATCCAGGCTCTACCAGGGCCTTTCCTTTCTATGGATCCATCCGCATTTGTGG[A>G]TGTTTATGGATATATTGCTACTCCTCGAGTCTGGAAACAAAAGTCTTCATTAATCTGGCG-3'
Protein context (NP_001381460.1, residues 1203-1223): FLSMDPSAFV[Asp1213Gly]VYGYIATPRV